The following is an entry in ClinVar:

NM_001368882.1(COL13A1):c.1948G>A (p.Ala650Thr)

Gene: COL13A1 (collagen type XIII alpha 1 chain; plus strand). Cytogenetic location: 10q22.1.
Variant type: single nucleotide variant.
Coding change: c.1948G>A on transcript NM_001368882.1 (MANE Select); coding-DNA position 1948, G replaced by A.
Protein change: p.Ala650Thr; replaces alanine 650 with threonine.
Molecular consequence: missense variant.
Genome position (GRCh38, 1-based): chr10:69,944,158, G>A. VCF-style: chr10-69944158-G-A. GRCh37 (hg19) VCF-style: chr10-71703914-G-A.
Other names: c.1915G>A, p.Ala639Thr (NM_001130103.2); c.1804G>A, p.Ala602Thr (NM_001320951.2); c.1825G>A, p.Ala609Thr (NM_001368883.1); c.1762G>A, p.Ala588Thr (NM_001368884.1); c.1726G>A, p.Ala576Thr (NM_001368885.1); c.1204G>A, p.Ala402Thr (NM_001368886.1); c.1735G>A, p.Ala579Thr (NM_001368895.1); c.1657G>A, p.Ala553Thr (NM_001368896.1); and 8 more; short protein forms A567T, A588T, A590T, A402T, A553T, A608T, A550T, A570T.
Identifiers: ClinVar variation 2170790 (VCV002170790.3), dbSNP rs375914823, ClinGen allele CA5535009.

ClinVar aggregate classification (germline): Uncertain significance. Review status: criteria provided, multiple submitters, no conflicts (2 of 4 stars). 2 submissions from 2 submitters: Uncertain significance (2). Last evaluated 2023-10-17.

Conditions:
Inborn genetic diseases. Identifiers: MedGen C0950123, MeSH D030342.

Allele frequency attached by ClinVar (database versions not stated): ExAC 0.00001; gnomAD 0.00003; TOPMed 0.00003; gnomAD exomes 0.00004; ESP Exome Variant Server 0.00008.
gnomAD v4.1: 57 of 1,613,770 alleles (0.0035%); highest among the groups gnomAD compares: Non-Finnish European, 0.0043%; no homozygotes.

Submissions (2):

Ambry Genetics
Classification: Uncertain significance for Inborn genetic diseases. Last evaluated: 2023-10-17. Review status: criteria provided, single submitter. Criteria: Ambry Variant Classification Scheme 2023. Collection method: clinical testing. Allele origin: germline.

Labcorp Genetics (formerly Invitae), Labcorp
Classification: Uncertain significance. Last evaluated: 2022-05-11. Review status: criteria provided, single submitter. Criteria: Invitae Variant Classification Sherloc (09022015). Collection method: clinical testing. Allele origin: germline.
Comment: This sequence change replaces alanine, which is neutral and non-polar, with threonine, which is neutral and polar, at codon 639 of the COL13A1 protein (p.Ala639Thr). This variant is present in population databases (rs375914823, gnomAD 0.003%). This variant has not been reported in the literature in individuals affected with COL13A1-related conditions. Algorithms developed to predict the effect of missense changes on protein structure and function (SIFT, PolyPhen-2, Align-GVGD) all suggest that this variant is likely to be disruptive. In summary, the available evidence is currently insufficient to determine the role of this variant in disease. Therefore, it has been classified as a Variant of Uncertain Significance.